The following is an entry in ClinVar:

ClinVar aggregate classification (germline): Uncertain significance. Review status: criteria provided, single submitter (1 of 4 stars). 2 submissions from 2 submitters: Uncertain significance (1). 1 of the submissions does not count toward it. Last evaluated 2020-01-07.

Conditions:
Cone-rod dystrophy. Also called: Cone/cone-rod dystrophy; Cone-rod degeneration. Identifiers: Orphanet 1872, MedGen C4085590, MONDO:0015993, HP:0000548.

Submissions (2):

NEI Ophthalmic Genomics Laboratory, National Institutes of Health
Classification: Uncertain significance for Cone-rod dystrophy. Last evaluated: 2020-01-07. Review status: criteria provided, single submitter. Criteria: ACMG Guidelines, 2015. Collection method: clinical testing. Allele origin: germline. Affected: yes.
Comment: The variant NM_000322.4:c.521G>C in the PRPH2 gene has not been reported to our knowledge . This variant is not listed in dbSNP and/or HGMD. It is absent in gnomAD browser. It is not enriched in the PRPH2 disease cohort. We invoked ACMG criteria [PM1, PM2, PP3] and classified NM_000322.4:c.521G>C in the PRPH2 gene as a Variant of Uncertain Significance.

Leiden Open Variation Database
Classification: Uncertain significance. Last evaluated: 2021-04-06. Review status: no assertion criteria provided. Collection method: curation. Allele origin: germline. Affected: yes. Not counted in ClinVar's aggregate classification.
Comment: Curator: Global Variome, with Curator vacancy. Submitter to LOVD: Manon Peeters.

Literature cited by the submitters: PubMed 32531846 (cited by Leiden Open Variation Database).

NM_000322.5(PRPH2):c.521G>C (p.Trp174Ser)

Gene: PRPH2 (peripherin 2; minus strand). Cytogenetic location: 6p21.1.
Variant type: single nucleotide variant.
Coding change: c.521G>C on transcript NM_000322.5 (MANE Select); coding-DNA position 521, G replaced by C.
Protein change: p.Trp174Ser; replaces tryptophan 174 with serine.
Molecular consequence: missense variant.
Genome position (GRCh38, 1-based): chr6:42,721,814, C>G on the plus strand (G>C on the coding strand, the complement: PRPH2 is on the minus strand). VCF-style: chr6-42721814-C-G. GRCh37 (hg19) VCF-style: chr6-42689552-C-G.
Other names: short protein forms W174S.
Identifiers: ClinVar variation 973726 (VCV000973726.2), dbSNP rs1761906296, ClinGen allele CA364137375.